The following is an entry in ClinVar:

ClinVar aggregate classification (germline): Uncertain significance (1 of 4 stars; one submission).

Conditions:
Cystic fibrosis (CF). Also called: MUCOVISCIDOSIS. Identifiers: Orphanet 586, MedGen C0010674, MONDO:0009061, OMIM 219700. Disease mechanism: loss of function.

Submission:

Ambry Genetics
Classification: Uncertain significance for Cystic fibrosis. Last evaluated: 2026-03-29. Review status: criteria provided, single submitter. Criteria: Ambry Variant Classification Scheme 2023. Collection method: clinical testing. Allele origin: germline.
Comment: The p.T398A variant (also known as c.1192A>G), located in coding exon 9 of the CFTR gene, results from an A to G substitution at nucleotide position 1192. The threonine at codon 398 is replaced by alanine, an amino acid with similar properties. This amino acid position is conserved. In addition, the in silico prediction for this alteration is inconclusive. Based on the available evidence, the clinical significance of this variant remains unclear.

NM_000492.4(CFTR):c.1192A>G (p.Thr398Ala)

Gene: CFTR (CF transmembrane conductance regulator; plus strand). Cytogenetic location: 7q31.2.
Variant type: single nucleotide variant.
Coding change: c.1192A>G on transcript NM_000492.4 (MANE Select); coding-DNA position 1192, A replaced by G.
Protein change: p.Thr398Ala; replaces threonine 398 with alanine.
Molecular consequence: missense variant.
Genome position (GRCh38, 1-based): chr7:117,542,091, A>G. VCF-style: chr7-117542091-A-G. GRCh37 (hg19) VCF-style: chr7-117182145-A-G.
Other names: short protein forms T398A.
Identifiers: ClinVar variation 4868825 (VCV004868825.1).